The following is an entry in ClinVar:

ClinVar aggregate classification (germline): Uncertain significance (1 of 4 stars; one submission).

Conditions:
Inborn genetic diseases. Identifiers: MedGen C0950123, MeSH D030342.

gnomAD v4.1: 3 of 1,367,024 alleles (0.00022%); highest among the groups gnomAD compares: South Asian, 0.0054%; no homozygotes.

Submission:

Ambry Genetics
Classification: Uncertain significance for Inborn genetic diseases. Last evaluated: 2025-06-23. Review status: criteria provided, single submitter. Criteria: Ambry Variant Classification Scheme 2023. Collection method: clinical testing. Allele origin: germline.
Comment: The p.A28T variant (also known as c.82G>A), located in coding exon 1 of the KDM1A gene, results from a G to A substitution at nucleotide position 82. The alanine at codon 28 is replaced by threonine, an amino acid with similar properties. This amino acid position is conserved. In addition, this alteration is predicted to be tolerated by in silico analysis. Based on the available evidence, the clinical significance of this variant remains unclear.

NM_001009999.3(KDM1A):c.82G>A (p.Ala28Thr)

Gene: KDM1A (lysine demethylase 1A; plus strand). Cytogenetic location: 1p36.12.
Variant type: single nucleotide variant.
Coding change: c.82G>A on transcript NM_001009999.3 (MANE Select); coding-DNA position 82, G replaced by A.
Protein change: p.Ala28Thr; replaces alanine 28 with threonine.
Molecular consequence: missense variant.
Genome position (GRCh38, 1-based): chr1:23,019,678, G>A. VCF-style: chr1-23019678-G-A. GRCh37 (hg19) VCF-style: chr1-23346171-G-A.
Other names: c.82G>A, p.Ala28Thr (NM_001363654.2, NM_001410762.1, NM_001410763.1 and 1 more transcripts); short protein forms A28T.
Identifiers: ClinVar variation 4091032 (VCV004091032.1).